The following is an entry in ClinVar:

ClinVar aggregate classification (germline): Likely benign. Review status: criteria provided, single submitter (1 of 4 stars). 2 submissions from 1 submitter: Likely benign (2). Last evaluated 2018-01-13.

Conditions:
Charcot-Marie-Tooth disease recessive intermediate A (CMTRIA). Also called: CHARCOT-MARIE-TOOTH NEUROPATHY, RECESSIVE INTERMEDIATE A. Identifiers: Orphanet 217055, MedGen C1842197, MONDO:0012014, OMIM 608340.
Charcot-Marie-Tooth disease, axonal, with vocal cord paresis, autosomal recessive. Also called: CHARCOT-MARIE-TOOTH DISEASE, TYPE 4A, AXONAL FORM; CHARCOT-MARIE-TOOTH NEUROPATHY, AXONAL, WITH VOCAL CORD PARESIS, AUTOSOMAL RECESSIVE; CMT2 WITH VOCAL CORD PARESIS, AUTOSOMAL RECESSIVE. Identifiers: Orphanet 101097, MedGen C1843183, MONDO:0011898, OMIM 607706.

Allele frequency attached by ClinVar (database versions not stated): 1000 Genomes Project 0.00120; 1000 Genomes Project 30x 0.00125; ExAC 0.00214; TOPMed 0.00324; gnomAD exomes 0.00352 and 0.00366; gnomAD 0.00361 and 0.00367.

Submissions (2):

Illumina Laboratory Services, Illumina
Classification: Likely benign for Charcot-Marie-Tooth disease recessive intermediate A. Last evaluated: 2018-01-13. Review status: criteria provided, single submitter. Criteria: ICSL Variant Classification Criteria 13 December 2019. Collection method: clinical testing. Allele origin: germline.
Comment: This variant was observed in the ICSL laboratory as part of a predisposition screen in an ostensibly healthy population. It had not been previously curated by ICSL or reported in the Human Gene Mutation Database (HGMD: prior to June 1st, 2018), and was therefore a candidate for classification through an automated scoring system. Utilizing variant allele frequency, disease prevalence and penetrance estimates, and inheritance mode, an automated score was calculated to assess if this variant is too frequent to cause the disease. Based on the score and internal cut-off values, a variant classified as likely benign is not then subjected to further curation. The score for this variant resulted in a classification of likely benign for this disease.

Illumina Laboratory Services, Illumina
Classification: Likely benign for Charcot-Marie-Tooth disease, axonal, with vocal cord paresis, autosomal recessive. Last evaluated: 2018-01-13. Review status: criteria provided, single submitter. Criteria: ICSL Variant Classification Criteria 13 December 2019. Collection method: clinical testing. Allele origin: germline.
Comment: the same text as in the submission from Illumina Laboratory Services, Illumina above.

NM_018972.4(GDAP1):c.*1006C>T

Gene: GDAP1 (ganglioside induced differentiation associated protein 1; plus strand). Cytogenetic location: 8q21.11.
Variant type: single nucleotide variant.
Coding change: c.*1006C>T on transcript NM_018972.4 (MANE Select); 1006 bases downstream of the stop codon, C replaced by T.
Molecular consequence: 3 prime UTR variant. On other transcripts: intron variant (1).
Genome position (GRCh38, 1-based): chr8:74,365,373, C>T. VCF-style: chr8-74365373-C-T. GRCh37 (hg19) VCF-style: chr8-75277608-C-T.
Other names: c.*1006C>T (NM_001040875.4, NM_001362929.2, NM_001362930.2 and 1 more transcripts); c.694+2320C>T (NM_001362931.2).
Identifiers: ClinVar variation 909993 (VCV000909993.4), dbSNP rs145523828, ClinGen allele CA4785294.